The following is an entry in ClinVar:

NM_030665.4(RAI1):c.975C>T (p.Asp325=)

Gene: RAI1 (retinoic acid induced 1; plus strand). Cytogenetic location: 17p11.2.
Variant type: single nucleotide variant.
Coding change: c.975C>T on transcript NM_030665.4 (MANE Select); coding-DNA position 975, C replaced by T.
Protein change: p.Asp325=; no amino-acid change (aspartic acid 325 retained).
Molecular consequence: synonymous variant.
Genome position (GRCh38, 1-based): chr17:17,793,923, C>T. VCF-style: chr17-17793923-C-T. GRCh37 (hg19) VCF-style: chr17-17697237-C-T.
Other names: c.975C>T (NM_030665.3).
Identifiers: ClinVar variation 1614948 (VCV001614948.9), dbSNP rs775231394, ClinGen allele CA8418241.

ClinVar aggregate classification (germline): Likely benign. Review status: criteria provided, single submitter (1 of 4 stars). 2 submissions from 2 submitters: Likely benign (1). 1 of the submissions does not count toward it. Last evaluated 2025-04-09.

Conditions:
RAI1-related disorder. Also called: RAI1-related condition.

Allele frequency attached by ClinVar (database versions not stated): TOPMed below 0.00001; ExAC 0.00001; gnomAD 0.00001; gnomAD exomes 0.00001 and 0.00002.
gnomAD v4.1: 17 of 1,613,758 alleles (0.0011%); highest among the groups gnomAD compares: East Asian, 0.0022%; no homozygotes.

Submissions (2):

Labcorp Genetics (formerly Invitae), Labcorp
Classification: Likely benign. Last evaluated: 2025-04-09. Review status: criteria provided, single submitter. Criteria: Invitae Variant Classification Sherloc (09022015). Collection method: clinical testing. Allele origin: germline.

PreventionGenetics, part of Exact Sciences
Classification: Likely benign for RAI1-related condition. Last evaluated: 2021-04-22. Review status: no assertion criteria provided. Collection method: clinical testing. Allele origin: germline. Not counted in ClinVar's aggregate classification.
Comment: This variant is classified as likely benign based on ACMG/AMP sequence variant interpretation guidelines (Richards et al. 2015 PMID: 25741868, with internal and published modifications).